The following is an entry in ClinVar:

Conditions:
Long QT syndrome 5 (LQT5). Identifiers: Orphanet 101016, Orphanet 768, MedGen C1867904, MONDO:0013372, OMIM 613695.

Submission:

Roden Lab, Vanderbilt University Medical Center
No classification provided (evidence only). Condition: Long QT syndrome 5. Review status: no classification provided. Collection method: in vitro. Allele origin: not applicable. Functional consequence: Effect on ion channel function.
ClinVar note: "not provided" was previously submitted as the classification for the variant. However, the classification appeared to be based only on an observation of functional data so it was converted to no classification on 2025-07-30.

NM_000219.6(KCNE1):c.127G>C (p.Glu43Gln)

Gene: KCNE1 (potassium voltage-gated channel subfamily E regulatory subunit 1; minus strand). Cytogenetic location: 21q22.12.
Variant type: single nucleotide variant.
Coding change: c.127G>C on transcript NM_000219.6 (MANE Select); coding-DNA position 127, G replaced by C.
Protein change: p.Glu43Gln; replaces glutamic acid 43 with glutamine.
Molecular consequence: missense variant.
Genome position (GRCh38, 1-based): chr21:34,449,508, C>G on the plus strand (G>C on the coding strand, the complement: KCNE1 is on the minus strand). VCF-style: chr21-34449508-C-G. GRCh37 (hg19) VCF-style: chr21-35821806-C-G.
Other names: c.127G>C, p.Glu43Gln (NM_001127668.4, NM_001127669.4, NM_001127670.4 and 4 more transcripts); short protein forms E43Q.
Identifiers: ClinVar variation 3374115 (VCV003374115.2).
Genomic context (GRCh38, chr21:34,449,508, plus strand): 5'-GCATGATGCCCAGGGTGAAGAAGCCGAAGAATCCCAGTACCATGAGGACGTAGAGGGCCT[C>G]CAGCTTGCCGTCACTGCTGCGGGGGGACCTGCGGGCCAGGCCCGACATGTTGCCACCCTG-3'
Protein context (NP_000210.2, residues 33-53): RSPRSSDGKL[Glu43Gln]ALYVLMVLGF